The following is an entry in ClinVar:

NM_014363.6(SACS):c.9284del (p.Pro3095fs)

Gene: SACS (sacsin molecular chaperone; minus strand). Cytogenetic location: 13q12.12.
Variant type: Deletion.
Coding change: c.9284del on transcript NM_014363.6 (MANE Select); coding-DNA position 9284, one base deleted (C; older notation c.9284delC).
Protein change: p.Pro3095fs; shifts the reading frame from proline 3095.
Molecular consequence: frameshift variant.
Genome position (GRCh38, 1-based): chr13:23,334,592, G deleted on the plus strand (C on the coding strand, the reverse complement: SACS is on the minus strand); the first of 4 consecutive G bases (chr13:23,334,592-23,334,595); deleting any one gives the same sequence. VCF-style (leftmost placement, unchanged base first): chr13-23334591-AG-A. GRCh37 (hg19) VCF-style: chr13-23908730-AG-A.
Other names: c.8843del, p.Pro2948fs (NM_001278055.2); short protein forms P2948fs, P3095fs.
Identifiers: ClinVar variation 1971539 (VCV001971539.5), dbSNP rs1463970507, ClinGen allele CA696607918.
Genomic context (GRCh38, chr13:23,334,591, plus strand): 5'-CCCAATATGGCAATTAGTGTCAGGAGAGGAAAATGTCATTAAAAAAGATCTGATATCAGC[AG>A]GGGTCACATAACTAACAGGAATATCTGCATCTATAAGACAGTGGTAAAGATTAGCAGTTT-3'

ClinVar aggregate classification (germline): Pathogenic (1 of 4 stars; one submission).

Conditions:
Spastic paraplegia. Identifiers: MedGen C0037772, HP:0001258.

Submission:

Labcorp Genetics (formerly Invitae), Labcorp
Classification: Pathogenic for Spastic paraplegia. Last evaluated: 2022-08-05. Review status: criteria provided, single submitter. Criteria: Invitae Variant Classification Sherloc (09022015). Collection method: clinical testing. Allele origin: germline.
Comment: This variant disrupts a region of the SACS protein in which other variant(s) (p.Asn4549Asp) have been determined to be pathogenic (PMID: 15156359, 21507954). This suggests that this is a clinically significant region of the protein, and that variants that disrupt it are likely to be disease-causing. For these reasons, this variant has been classified as Pathogenic. This variant has not been reported in the literature in individuals affected with SACS-related conditions. This variant is not present in population databases (gnomAD no frequency). This sequence change creates a premature translational stop signal (p.Pro3095Leufs*8) in the SACS gene. While this is not anticipated to result in nonsense mediated decay, it is expected to disrupt the last 1485 amino acid(s) of the SACS protein.

Literature cited by the submitters: PubMed 15156359; PubMed 21507954.